The following is an entry in ClinVar:

ClinVar aggregate classification (germline): Pathogenic (1 of 4 stars; one submission).

Submission:

Labcorp Genetics (formerly Invitae), Labcorp
Classification: Pathogenic. Last evaluated: 2024-02-20. Review status: criteria provided, single submitter. Criteria: Invitae Variant Classification Sherloc (09022015). Collection method: clinical testing. Allele origin: germline.
Comment: This sequence change creates a premature translational stop signal (p.Gln2298*) in the CENPF gene. It is expected to result in an absent or disrupted protein product. Loss-of-function variants in CENPF are known to be pathogenic (PMID: 25564561, 26820108). This variant is not present in population databases (gnomAD no frequency). This variant has not been reported in the literature in individuals affected with CENPF-related conditions. For these reasons, this variant has been classified as Pathogenic.

Literature cited by the submitters: PubMed 25564561; PubMed 26820108.

NM_016343.4(CENPF):c.6892C>T (p.Gln2298Ter)

Gene: CENPF (centromere protein F; plus strand). Cytogenetic location: 1q41.
Variant type: single nucleotide variant.
Coding change: c.6892C>T on transcript NM_016343.4 (MANE Select); coding-DNA position 6892, C replaced by T.
Protein change: p.Gln2298Ter; replaces glutamine 2298 with a stop codon.
Molecular consequence: nonsense.
Genome position (GRCh38, 1-based): chr1:214,646,462, C>T. VCF-style: chr1-214646462-C-T. GRCh37 (hg19) VCF-style: chr1-214819805-C-T.
Other names: short protein forms Q2298*.
Identifiers: ClinVar variation 3683501 (VCV003683501.2).